The following is an entry in ClinVar:

ClinVar aggregate classification (germline): Uncertain significance (1 of 4 stars; one submission).

Allele frequency attached by ClinVar (database versions not stated): ExAC 0.00002; gnomAD exomes 0.00002; gnomAD 0.00004; TOPMed 0.00004; ESP Exome Variant Server 0.00008; 1000 Genomes Project 0.00020; 1000 Genomes Project 30x 0.00031.
gnomAD v4.1: 45 of 1,613,934 alleles (0.0028%); highest among the groups gnomAD compares: Middle Eastern, 0.017%; no homozygotes.

Submission:

Labcorp Genetics (formerly Invitae), Labcorp
Classification: Uncertain significance. Last evaluated: 2022-08-09. Review status: criteria provided, single submitter. Criteria: Invitae Variant Classification Sherloc (09022015). Collection method: clinical testing. Allele origin: germline.
Comment: Algorithms developed to predict the effect of sequence changes on RNA splicing suggest that this variant may disrupt the consensus splice site. This variant has not been reported in the literature in individuals affected with BNC2-related conditions. This variant is present in population databases (rs202218171, gnomAD 0.004%). This sequence change falls in intron 1 of the BNC2 gene. It does not directly change the encoded amino acid sequence of the BNC2 protein. In summary, the available evidence is currently insufficient to determine the role of this variant in disease. Therefore, it has been classified as a Variant of Uncertain Significance.

NM_017637.6(BNC2):c.4-4A>G

Gene: BNC2 (basonuclin zinc finger protein 2; minus strand). Cytogenetic location: 9p22.2.
Variant type: single nucleotide variant.
Coding change: c.4-4A>G on transcript NM_017637.6 (MANE Select); 4 bases into the intron before coding-DNA position 4, A replaced by G.
Molecular consequence: intron variant.
Genome position (GRCh38, 1-based): chr9:16,738,489, T>C on the plus strand (A>G on the coding strand, the complement: BNC2 is on the minus strand). VCF-style: chr9-16738489-T-C. GRCh37 (hg19) VCF-style: chr9-16738487-T-C.
Other names: c.4-10492A>G (NM_001317939.2); c.45+93755A>G (NM_001317940.2).
Identifiers: ClinVar variation 1986273 (VCV001986273.4), dbSNP rs202218171, ClinGen allele CA4996436.